The following is an entry in ClinVar:

ClinVar aggregate classification (germline): Likely benign. Review status: criteria provided, multiple submitters, no conflicts (2 of 4 stars). 3 submissions from 3 submitters: Likely benign (3). Last evaluated 2025-10-03.

Allele frequency attached by ClinVar (database versions not stated): gnomAD exomes 0.00001 and 0.00003; ExAC 0.00002; gnomAD 0.00013 and 0.00014; TOPMed 0.00013; ESP Exome Variant Server 0.00015; 1000 Genomes Project 30x 0.00016; 1000 Genomes Project 0.00020.
gnomAD v4.1: 41 of 1,613,836 alleles (0.0025%); highest among the groups gnomAD compares: African/African-American, 0.045%; no homozygotes.

Submissions (3):

Labcorp Genetics (formerly Invitae), Labcorp
Classification: Likely benign. Last evaluated: 2025-10-03. Review status: criteria provided, single submitter. Criteria: Invitae Variant Classification Sherloc (09022015). Collection method: clinical testing. Allele origin: germline.

Blueprint Genetics
Classification: Likely benign. Last evaluated: 2021-08-25. Review status: criteria provided, single submitter. Criteria: ACMG Guidelines, 2015. Collection method: clinical testing. Allele origin: germline.

GeneDx
Classification: Likely benign. Last evaluated: 2016-10-11. Review status: criteria provided, single submitter. Criteria: GeneDx Variant Classification (06012015). Collection method: clinical testing. Allele origin: germline. Affected: yes.
Comment: This variant is considered likely benign or benign based on one or more of the following criteria: it is a conservative change, it occurs at a poorly conserved position in the protein, it is predicted to be benign by multiple in silico algorithms, and/or has population frequency not consistent with disease.

NM_173477.5(USH1G):c.261C>T (p.Phe87=)

Gene: USH1G (USH1 protein network component sans; minus strand). Cytogenetic location: 17q25.1.
Variant type: single nucleotide variant.
Coding change: c.261C>T on transcript NM_173477.5 (MANE Select); coding-DNA position 261, C replaced by T.
Protein change: p.Phe87=; no amino-acid change (phenylalanine 87 retained).
Molecular consequence: synonymous variant. On other transcripts: 5 prime UTR variant (1).
Genome position (GRCh38, 1-based): chr17:74,920,575, G>A on the plus strand (C>T on the coding strand, the complement: USH1G is on the minus strand). VCF-style: chr17-74920575-G-A. GRCh37 (hg19) VCF-style: chr17-72916670-G-A.
Other names: c.-49C>T (NM_001282489.3).
Identifiers: ClinVar variation 381315 (VCV000381315.10), dbSNP rs144686462, ClinGen allele CA8754105.